The following is an entry in ClinVar:

NM_001931.5(DLAT):c.1815-15T>C

Genes: PIH1D2 (PIH1 domain containing 2; minus strand), DLAT (dihydrolipoamide S-acetyltransferase; plus strand). Cytogenetic location: 11q23.1.
Variant type: single nucleotide variant.
Coding change: c.1815-15T>C on transcript NM_001931.5 (MANE Select); 15 bases into the intron before coding-DNA position 1815, T replaced by C.
Molecular consequence: intron variant.
Genome position (GRCh38, 1-based): chr11:112,062,391, T>C. VCF-style: chr11-112062391-T-C. GRCh37 (hg19) VCF-style: chr11-111933115-T-C.
Other names: c.1353-15T>C (NM_001372042.1); c.1833-15T>C (NM_001372031.1); c.1794-15T>C (NM_001372033.1); c.1707-15T>C (NM_001372035.1); c.1809-15T>C (NM_001372032.1); c.1500-15T>C (NM_001372039.1); c.1392-15T>C (NM_001372041.1); c.1536-15T>C (NM_001372038.1); and 4 more.
Identifiers: ClinVar variation 382218 (VCV000382218.7), dbSNP rs192297571, ClinGen allele CA6277030.

ClinVar aggregate classification (germline): Benign/Likely benign. Review status: criteria provided, multiple submitters, no conflicts (2 of 4 stars). 3 submissions from 3 submitters: Benign (1); Likely benign (2). Last evaluated 2025-07-16.

Conditions:
Pyruvate dehydrogenase E2 deficiency (PDHDD). Also called: Dihydrolipoamide Acetyltransferase (E2) Deficiency; LACTIC ACIDEMIA DUE TO DEFECT OF E2 LIPOYL TRANSACETYLASE OF THE PYRUVATE DEHYDROGENASE COMPLEX. Identifiers: Orphanet 765, Orphanet 79244, MedGen C1855565, MONDO:0009502, OMIM 245348.

Allele frequency attached by ClinVar (database versions not stated): gnomAD exomes 0.00005 and 0.00016; ExAC 0.00016; 1000 Genomes Project 30x 0.00031; 1000 Genomes Project 0.00040; gnomAD 0.00046 and 0.00051; TOPMed 0.00046; ESP Exome Variant Server 0.00062.

Submissions (3):

Labcorp Genetics (formerly Invitae), Labcorp
Classification: Benign for Pyruvate dehydrogenase E2 deficiency. Last evaluated: 2025-07-16. Review status: criteria provided, single submitter. Criteria: Invitae Variant Classification Sherloc (09022015). Collection method: clinical testing. Allele origin: germline.

Blueprint Genetics
Classification: Likely benign. Last evaluated: 2024-11-06. Review status: criteria provided, single submitter. Criteria: ACMG Guidelines, 2015. Collection method: clinical testing. Allele origin: germline.

GeneDx
Classification: Likely benign. Last evaluated: 2015-12-24. Review status: criteria provided, single submitter. Criteria: GeneDx Variant Classification (06012015). Collection method: clinical testing. Allele origin: germline. Affected: yes.
Comment: This variant is considered likely benign or benign based on one or more of the following criteria: it is a conservative change, it occurs at a poorly conserved position in the protein, it is predicted to be benign by multiple in silico algorithms, and/or has population frequency not consistent with disease.